The following is an entry in ClinVar:

NM_001134363.3(RBM20):c.1723C>T (p.Gln575Ter)

Gene: RBM20 (RNA binding motif protein 20; plus strand). Cytogenetic location: 10q25.2.
Variant type: single nucleotide variant.
Coding change: c.1723C>T on transcript NM_001134363.3 (MANE Select); coding-DNA position 1723, C replaced by T.
Protein change: p.Gln575Ter; replaces glutamine 575 with a stop codon.
Molecular consequence: nonsense.
Genome position (GRCh38, 1-based): chr10:110,799,841, C>T. VCF-style: chr10-110799841-C-T. GRCh37 (hg19) VCF-style: chr10-112559599-C-T.
Other names: short protein forms Q575*.
Identifiers: ClinVar variation 2755881 (VCV002755881.3), dbSNP rs1030751538, ClinGen allele CA378390746.
Genomic context (GRCh38, chr10:110,799,841, plus strand): 5'-TCTTAGGCCTTTTTAGAGATGGCTTACACAGAAGCTGCACAGGCCATGGTCCAGTATTAT[C>T]AAGAAAAATCTGCTGTGATCAATGGTGAGAAGTTGCTCATTCGGATGTCCAAGAGATACA-3'

ClinVar aggregate classification (germline): Pathogenic (1 of 4 stars; one submission).

Conditions:
Dilated cardiomyopathy 1DD (CMD1DD). Identifiers: Orphanet 154, MedGen C2750995, MONDO:0013168, OMIM 613172.

Submission:

Labcorp Genetics (formerly Invitae), Labcorp
Classification: Pathogenic for Dilated cardiomyopathy 1DD. Last evaluated: 2025-11-21. Review status: criteria provided, single submitter. Criteria: Invitae Variant Classification Sherloc (09022015). Collection method: clinical testing. Allele origin: germline.
Comment: This sequence change creates a premature translational stop signal (p.Gln575*) in the RBM20 gene. It is expected to result in an absent or disrupted protein product. Loss-of-function variants in RBM20 are known to be pathogenic (PMID: 20590677, 22004663, 38288598, 38510713, 40339755). This variant is not present in population databases (gnomAD no frequency). This variant has not been reported in the literature in individuals affected with RBM20-related conditions. ClinVar contains an entry for this variant (Variation ID: 2755881). For these reasons, this variant has been classified as Pathogenic.

Literature cited by the submitters: PubMed 20590677; PubMed 22004663; PubMed 38288598; PubMed 38510713; PubMed 40339755.